The following is an entry in ClinVar:

ClinVar aggregate classification (germline): Uncertain significance (1 of 4 stars; one submission).

Allele frequency attached by ClinVar (database versions not stated): gnomAD exomes below 0.00001; TOPMed below 0.00001.
gnomAD v4.1: 1 of 1,612,236 alleles (0.000062%); highest among the groups gnomAD compares: Non-Finnish European, 0.000085%; no homozygotes.

Submission:

Labcorp Genetics (formerly Invitae), Labcorp
Classification: Uncertain significance. Last evaluated: 2021-03-07. Review status: criteria provided, single submitter. Criteria: Invitae Variant Classification Sherloc (09022015). Collection method: clinical testing. Allele origin: germline.
Comment: In summary, the available evidence is currently insufficient to determine the role of this variant in disease. Therefore, it has been classified as a Variant of Uncertain Significance. Algorithms developed to predict the effect of missense changes on protein structure and function are either unavailable or do not agree on the potential impact of this missense change (SIFT: "Deleterious"; PolyPhen-2: "Not Available"; Align-GVGD: "Class C0"). This variant has not been reported in the literature in individuals with PCLO-related conditions. This variant is not present in population databases (ExAC no frequency). This sequence change replaces serine with alanine at codon 4074 of the PCLO protein (p.Ser4074Ala). The serine residue is moderately conserved and there is a moderate physicochemical difference between serine and alanine.

NM_033026.6(PCLO):c.12220T>G (p.Ser4074Ala)

Gene: PCLO (piccolo presynaptic cytomatrix protein; minus strand). Cytogenetic location: 7q21.11.
Variant type: single nucleotide variant.
Coding change: c.12220T>G on transcript NM_033026.6 (MANE Select); coding-DNA position 12220, T replaced by G.
Protein change: p.Ser4074Ala; replaces serine 4074 with alanine.
Molecular consequence: missense variant.
Genome position (GRCh38, 1-based): chr7:82,915,766, A>C on the plus strand (T>G on the coding strand, the complement: PCLO is on the minus strand). VCF-style: chr7-82915766-A-C. GRCh37 (hg19) VCF-style: chr7-82545082-A-C.
Other names: c.12220T>G, p.Ser4074Ala (NM_014510.3); short protein forms S4074A.
Identifiers: ClinVar variation 1412968 (VCV001412968.8), dbSNP rs1794440467, ClinGen allele CA367889515.